The following is an entry in ClinVar:

ClinVar aggregate classification (germline): Uncertain significance (1 of 4 stars; one submission).

Conditions:
Tuberous sclerosis 2 (TSC2). Identifiers: Orphanet 805, MedGen C1860707, MONDO:0013199, OMIM 613254.

Submission:

Labcorp Genetics (formerly Invitae), Labcorp
Classification: Uncertain significance for Tuberous sclerosis 2. Last evaluated: 2023-02-01. Review status: criteria provided, single submitter. Criteria: Invitae Variant Classification Sherloc (09022015). Collection method: clinical testing. Allele origin: germline.
Comment: This sequence change replaces asparagine, which is neutral and polar, with tyrosine, which is neutral and polar, at codon 1182 of the TSC2 protein (p.Asn1182Tyr). This variant is not present in population databases (gnomAD no frequency). In summary, the available evidence is currently insufficient to determine the role of this variant in disease. Therefore, it has been classified as a Variant of Uncertain Significance. Advanced modeling of protein sequence and biophysical properties (such as structural, functional, and spatial information, amino acid conservation, physicochemical variation, residue mobility, and thermodynamic stability) performed at Invitae indicates that this missense variant is not expected to disrupt TSC2 protein function. This variant has not been reported in the literature in individuals affected with TSC2-related conditions.

NM_000548.5(TSC2):c.3544A>T (p.Asn1182Tyr)

Gene: TSC2 (TSC complex subunit 2; plus strand). Cytogenetic location: 16p13.3.
Variant type: single nucleotide variant.
Coding change: c.3544A>T on transcript NM_000548.5 (MANE Select); coding-DNA position 3544, A replaced by T.
Protein change: p.Asn1182Tyr; replaces asparagine 1182 with tyrosine.
Molecular consequence: missense variant. On other transcripts: non-coding transcript variant (5).
Genome position (GRCh38, 1-based): chr16:2,080,311, A>T. VCF-style: chr16-2080311-A-T. GRCh37 (hg19) VCF-style: chr16-2130312-A-T.
Other names: c.3265A>T, p.Asn1089Tyr (NM_001406679.1); c.2944A>T, p.Asn982Tyr (NM_001406680.1, NM_001406682.1, NM_001406683.1); c.2953A>T, p.Asn985Tyr (NM_001406681.1); c.2941A>T, p.Asn981Tyr (NM_001406684.1); c.2815A>T, p.Asn939Tyr (NM_001406685.1, NM_001406686.1); c.2812A>T, p.Asn938Tyr (NM_001406687.1, NM_001406688.1, NM_001318831.2); c.3412A>T, p.Asn1138Tyr (NM_001077183.3, NM_001370404.1, NM_001406665.1); c.3544A>T, p.Asn1182Tyr (NM_001114382.3); and 18 more; short protein forms N1090Y, N1101Y, N1119Y, N1133Y, N1149Y, N1168Y, N604Y, N690Y.
Identifiers: ClinVar variation 2870345 (VCV002870345.3), dbSNP rs2089974047, ClinGen allele CA394289484.